The following is an entry in ClinVar:

NM_177550.5(SLC13A5):c.1198A>C (p.Lys400Gln)

Gene: SLC13A5 (solute carrier family 13 member 5; minus strand). Cytogenetic location: 17p13.1.
Variant type: single nucleotide variant.
Coding change: c.1198A>C on transcript NM_177550.5 (MANE Select); coding-DNA position 1198, A replaced by C.
Protein change: p.Lys400Gln; replaces lysine 400 with glutamine.
Molecular consequence: missense variant.
Genome position (GRCh38, 1-based): chr17:6,693,121, T>G on the plus strand (A>C on the coding strand, the complement: SLC13A5 is on the minus strand). VCF-style: chr17-6693121-T-G. GRCh37 (hg19) VCF-style: chr17-6596440-T-G.
Other names: c.1198A>C, p.Lys400Gln (NM_001143838.3); c.1147A>C, p.Lys383Gln (NM_001284509.2); c.1069A>C, p.Lys357Gln (NM_001284510.2); short protein forms K357Q, K383Q, K400Q.
Identifiers: ClinVar variation 644947 (VCV000644947.9), dbSNP rs1597659809, ClinGen allele CA397741447.

ClinVar aggregate classification (germline): Uncertain significance (1 of 4 stars; one submission).

Conditions:
Developmental and epileptic encephalopathy, 25 (DEE25). Also called: Epileptic encephalopathy, early infantile, 25; Developmental and epileptic encephalopathy 25, with amelogenesis imperfecta; Epileptic encephalopathy, early infantile, 25, with amelogenesis imperfecta. Identifiers: Orphanet 442835, MedGen C4014621, MONDO:0014392, OMIM 615905.

Submission:

Labcorp Genetics (formerly Invitae), Labcorp
Classification: Uncertain significance for Developmental and epileptic encephalopathy, 25. Last evaluated: 2024-10-25. Review status: criteria provided, single submitter. Criteria: Invitae Variant Classification Sherloc (09022015). Collection method: clinical testing. Allele origin: germline.
Comment: This sequence change replaces lysine, which is basic and polar, with glutamine, which is neutral and polar, at codon 400 of the SLC13A5 protein (p.Lys400Gln). This variant is not present in population databases (gnomAD no frequency). This variant has not been reported in the literature in individuals affected with SLC13A5-related conditions. ClinVar contains an entry for this variant (Variation ID: 644947). Invitae Evidence Modeling of protein sequence and biophysical properties (such as structural, functional, and spatial information, amino acid conservation, physicochemical variation, residue mobility, and thermodynamic stability) indicates that this missense variant is not expected to disrupt SLC13A5 protein function with a negative predictive value of 80%. Algorithms developed to predict the effect of sequence changes on RNA splicing suggest that this variant may disrupt the consensus splice site. In summary, the available evidence is currently insufficient to determine the role of this variant in disease. Therefore, it has been classified as a Variant of Uncertain Significance.